The following is an entry in ClinVar:

NM_020822.3(KCNT1):c.3529C>G (p.Leu1177Val)

Gene: KCNT1 (potassium sodium-activated channel subfamily T member 1; plus strand). Cytogenetic location: 9q34.3.
Variant type: single nucleotide variant.
Coding change: c.3529C>G on transcript NM_020822.3 (MANE Select); coding-DNA position 3529, C replaced by G.
Protein change: p.Leu1177Val; replaces leucine 1177 with valine.
Molecular consequence: missense variant.
Genome position (GRCh38, 1-based): chr9:135,791,823, C>G. VCF-style: chr9-135791823-C-G. GRCh37 (hg19) VCF-style: chr9-138683669-C-G.
Other names: c.3457C>G, p.Leu1153Val (NM_001272003.2); short protein forms L1177V, L1153V.
Identifiers: ClinVar variation 855879 (VCV000855879.12), dbSNP rs1474508355, ClinGen allele CA375493820.
Genomic context (GRCh38, chr9:135,791,823, plus strand): 5'-GGGGGTGACGTCTGCCCGGCTGTGTCCTTTGCAGACGAGATGAACGACCACCAGAACACC[C>G]TCTCCTACGTCCTCATCAACCCTCCGCCCGACACGAGGCTGGAGCCCAGTGACATTGTGT-3'
Protein context (NP_065873.2, residues 1167-1187): YDEMNDHQNT[Leu1177Val]SYVLINPPPD

ClinVar aggregate classification (germline): Uncertain significance (1 of 4 stars; one submission).

Conditions:
Autosomal dominant nocturnal frontal lobe epilepsy 5. Also called: Epilepsy, nocturnal frontal lobe, 5; CILIARY DYSKINESIA, PRIMARY, 28, WITHOUT SITUS INVERSUS; CILIARY DYSKINESIA, PRIMARY, 28, WITH SITUS INVERSUS; KCNT1-Related Epilepsy. Identifiers: Orphanet 98784, MedGen C3554306, MONDO:0014002, OMIM 615005.
Developmental and epileptic encephalopathy, 14 (DEE14). Also called: Early infantile epileptic encephalopathy 14. Identifiers: Orphanet 293181, MedGen C3554195, MONDO:0013989, OMIM 614959.

Submission:

Labcorp Genetics (formerly Invitae), Labcorp
Classification: Uncertain significance for Autosomal dominant nocturnal frontal lobe epilepsy 5; Developmental and epileptic encephalopathy, 14. Last evaluated: 2019-12-13. Review status: criteria provided, single submitter. Criteria: Invitae Variant Classification Sherloc (09022015). Collection method: clinical testing. Allele origin: germline.
Comment: This variant is not present in population databases (ExAC no frequency). This sequence change replaces leucine with valine at codon 1177 of the KCNT1 protein (p.Leu1177Val). The leucine residue is highly conserved and there is a small physicochemical difference between leucine and valine. This variant has not been reported in the literature in individuals with KCNT1-related conditions. Algorithms developed to predict the effect of missense changes on protein structure and function are either unavailable or do not agree on the potential impact of this missense change (SIFT: "Deleterious"; PolyPhen-2: "Benign"; Align-GVGD: "Class C15"). In summary, the available evidence is currently insufficient to determine the role of this variant in disease. Therefore, it has been classified as a Variant of Uncertain Significance.